The following is an entry in ClinVar:

NM_015259.6(ICOSLG):c.322G>C (p.Glu108Gln)

Gene: ICOSLG (inducible T cell costimulator ligand; minus strand). Cytogenetic location: 21q22.3.
Variant type: single nucleotide variant.
Coding change: c.322G>C on transcript NM_015259.6 (MANE Select); coding-DNA position 322, G replaced by C.
Protein change: p.Glu108Gln; replaces glutamic acid 108 with glutamine.
Molecular consequence: missense variant. On other transcripts: intron variant (1).
Genome position (GRCh38, 1-based): chr21:44,236,951, C>G on the plus strand (G>C on the coding strand, the complement: ICOSLG is on the minus strand). VCF-style: chr21-44236951-C-G. GRCh37 (hg19) VCF-style: chr21-45656834-C-G.
Other names: c.322G>C (NM_015259.4); c.322G>C, p.Glu108Gln (NM_001283050.2); c.67G>C, p.Glu23Gln (NM_001283052.2); c.241G>C, p.Glu81Gln (NM_001365759.2); c.56-1389G>C (NM_001283051.2); short protein forms E108Q, E23Q, E81Q.
Identifiers: ClinVar variation 1058026 (VCV001058026.10), dbSNP rs764732216, ClinGen allele CA410616027.
Genomic context (GRCh38, chr21:44,236,951, plus strand): 5'-CGCTCAAAACCTCCTGGAATCCCAGGGATTGGCTCAACACCAGGCAGTGAAACTTCTGCT[C>G]GTCCTGGGGGGTGACGTTGAACAAGCGCAGGGAGAAGTCGCCCCGCAGCATGCCGGCCGG-3'
Protein context (NP_056074.1, residues 98-118): LRLFNVTPQD[Glu108Gln]QKFHCLVLSQ

ClinVar aggregate classification (germline): Uncertain significance. Review status: criteria provided, multiple submitters, no conflicts (2 of 4 stars). 2 submissions from 2 submitters: Uncertain significance (2). Last evaluated 2024-11-24.

Submissions (2):

Ambry Genetics
Classification: Uncertain significance. Last evaluated: 2024-11-24. Review status: criteria provided, single submitter. Criteria: Ambry Variant Classification Scheme 2023. Collection method: clinical testing. Allele origin: germline.

Labcorp Genetics (formerly Invitae), Labcorp
Classification: Uncertain significance. Last evaluated: 2022-07-25. Review status: criteria provided, single submitter. Criteria: Invitae Variant Classification Sherloc (09022015). Collection method: clinical testing. Allele origin: germline.
Comment: In summary, the available evidence is currently insufficient to determine the role of this variant in disease. Therefore, it has been classified as a Variant of Uncertain Significance. Algorithms developed to predict the effect of missense changes on protein structure and function are either unavailable or do not agree on the potential impact of this missense change (SIFT: "Tolerated"; PolyPhen-2: "Probably Damaging"; Align-GVGD: "Class C0"). ClinVar contains an entry for this variant (Variation ID: 1058026). This variant has not been reported in the literature in individuals affected with ICOSLG-related conditions. This variant is present in population databases (no rsID available, gnomAD 0.006%). This sequence change replaces glutamic acid, which is acidic and polar, with glutamine, which is neutral and polar, at codon 108 of the ICOSLG protein (p.Glu108Gln).